The following is an entry in ClinVar:

NM_001367624.2(ZNF469):c.2930G>A (p.Gly977Asp)

Gene: ZNF469 (zinc finger protein 469; plus strand). Cytogenetic location: 16q24.2.
Variant type: single nucleotide variant.
Coding change: c.2930G>A on transcript NM_001367624.2 (MANE Select); coding-DNA position 2930, G replaced by A.
Protein change: p.Gly977Asp; replaces glycine 977 with aspartic acid.
Molecular consequence: missense variant.
Genome position (GRCh38, 1-based): chr16:88,430,400, G>A. VCF-style: chr16-88430400-G-A. GRCh37 (hg19) VCF-style: chr16-88496808-G-A.
Other names: NM_001127464.1:c.2930G>A; short protein forms G977D.
Identifiers: ClinVar variation 5032213 (VCV005032213.1).
Genomic context (GRCh38, chr16:88,430,400, plus strand): 5'-ATCTGGACTCGGGCGGCGCAGCAGAGGGGTCGGGGTCGGGCGGCGGCGGCAGAGCCTCCG[G>A]CCTGAGGCCCCGGAGGAACGACGGTCTCGGGGAGCGGCCCCCACCCCGTCCCCGGCGCCC-3'
Protein context (NP_001354553.1, residues 967-987): SGSGGGGRAS[Gly977Asp]LRPRRNDGLG

ClinVar aggregate classification (germline): Uncertain significance (1 of 4 stars; one submission).

Conditions:
Cardiovascular phenotype. Identifiers: MedGen CN230736.

gnomAD v4.1: 2 of 1,520,734 alleles (0.00013%); highest among the groups gnomAD compares: East Asian, 0.0025%; no homozygotes.

Submission:

Ambry Genetics
Classification: Uncertain significance for Cardiovascular phenotype. Last evaluated: 2026-07-09. Review status: criteria provided, single submitter. Criteria: Ambry Variant Classification Scheme 2023. Collection method: clinical testing. Allele origin: germline.
Comment: The p.G977D variant (also known as c.2930G>A), located in coding exon 1 of the ZNF469 gene, results from a G to A substitution at nucleotide position 2930. The glycine at codon 977 is replaced by aspartic acid, an amino acid with similar properties. This amino acid position is conserved. In addition, this alteration is predicted to be tolerated by in silico analysis. Based on the available evidence, the clinical significance of this variant remains unclear.